The following is an entry in ClinVar:

NM_003620.4(PPM1D):c.1615_1616delinsT (p.Leu538_Glu539insTer)

Gene: PPM1D (protein phosphatase, Mg2+/Mn2+ dependent 1D; plus strand). Cytogenetic location: 17q23.2.
Variant type: Indel.
Coding change: c.1615_1616delinsT on transcript NM_003620.4 (MANE Select); coding-DNA positions 1615 to 1616, GA replaced by T.
Protein change: p.Leu538_Glu539insTer.
Molecular consequence: nonsense.
Genome position (GRCh38, 1-based): chr17:60,663,349-60,663,350, GA replaced by T. VCF-style: chr17-60663349-GA-T. GRCh37 (hg19) VCF-style: chr17-58740710-GA-T.
Identifiers: ClinVar variation 3423653 (VCV003423653.1).
Genomic context (GRCh38, chr17:60,663,349, plus strand): 5'-GGCCAAATGAAAGCCCAAGAAATTGAAAGAACCCCTCCAACAAACTTTAAAAGGACATTA[GA>T]AGAGTCCAATTCTGGCCCCCTGATGAAGAAGCATAGACGAAATGGCTTAAGTCGAAGTAG-3'

ClinVar aggregate classification (germline): Uncertain significance (1 of 4 stars; one submission).

Conditions:
Inborn genetic diseases. Identifiers: MedGen C0950123, MeSH D030342.

Submission:

Ambry Genetics
Classification: Uncertain significance for Inborn genetic diseases. Last evaluated: 2024-07-22. Review status: criteria provided, single submitter. Criteria: Ambry Variant Classification Scheme 2023. Collection method: clinical testing. Allele origin: germline.
Comment: The c.1615_1616delGAinsT (p.E539*) alteration, located in exon 6 (coding exon 6) of the PPM1D gene, consists of a deletion of 2 and insertion of 1 nucleotides at position 1615. This changes the amino acid from a glutamic acid (E) to a stop codon at amino acid position 539. This alteration occurs at the 3' terminus of the PPM1D gene, is not expected to trigger nonsense-mediated mRNA decay, and impacts the last 11% of the protein. The exact functional effect of this alteration is unknown. This variant was not reported in population-based cohorts in the Genome Aggregation Database (gnomAD). Based on insufficient or conflicting evidence, the clinical significance of this alteration remains unclear.